The following is an entry in ClinVar:

NM_130384.3(ATRIP):c.571G>A (p.Glu191Lys)

Genes: ATRIP (ATR interacting protein; plus strand), ATRIP-TREX1 (ATRIP-TREX1 readthrough; plus strand). Cytogenetic location: 3p21.31.
Variant type: single nucleotide variant.
Coding change: c.571G>A on transcript NM_130384.3 (MANE Select); coding-DNA position 571, G replaced by A.
Protein change: p.Glu191Lys; replaces glutamic acid 191 with lysine.
Molecular consequence: missense variant. On other transcripts: non-coding transcript variant (1).
Genome position (GRCh38, 1-based): chr3:48,454,318, G>A. VCF-style: chr3-48454318-G-A. GRCh37 (hg19) VCF-style: chr3-48495718-G-A.
Other names: c.571G>A, p.Glu191Lys (NM_032166.4); c.190G>A, p.Glu64Lys (NM_001271022.2); c.292G>A, p.Glu98Lys (NM_001271023.2); short protein forms E98K, E191K, E64K.
Identifiers: ClinVar variation 4644616 (VCV004644616.2).
Genomic context (GRCh38, chr3:48,454,318, plus strand): 5'-ATATGATGGGACCACTACAAGCATGTTTCTTTTGCCTTCCAGCTCCAATCATTGCAGTCT[G>A]AACTCCAGTTTAAAGATGCAGAGATGAATGAATTAAGGACAAAGCTCCAGACCAGTGAAC-3'
Protein context (NP_569055.1, residues 181-201): FSKKLQSLQS[Glu191Lys]LQFKDAEMNE

ClinVar aggregate classification (germline): Uncertain significance (1 of 4 stars; one submission).

Submission:

Ambry Genetics
Classification: Uncertain significance. Last evaluated: 2026-07-13. Review status: criteria provided, single submitter. Criteria: Ambry Variant Classification Scheme 2023. Collection method: clinical testing. Allele origin: germline.
Comment: The p.E191K variant (also known as c.571G>A), located in coding exon 4 of the ATRIP gene, results from a G to A substitution at nucleotide position 571. The glutamic acid at codon 191 is replaced by lysine, an amino acid with similar properties. This amino acid position is conserved. In addition, this alteration is predicted to be deleterious by in silico analysis. Based on the available evidence, the clinical significance of this variant remains unclear.